The following is an entry in ClinVar:

ClinVar aggregate classification (germline): Pathogenic (1 of 4 stars; one submission).

gnomAD v4.1: 12 of 1,613,940 alleles (0.00074%); highest among the groups gnomAD compares: Admixed American, 0.0017%; no homozygotes.

Submission:

Labcorp Genetics (formerly Invitae), Labcorp
Classification: Pathogenic. Last evaluated: 2025-09-22. Review status: criteria provided, single submitter. Criteria: Invitae Variant Classification Sherloc (09022015). Collection method: clinical testing. Allele origin: germline.
Comment: This sequence change creates a premature translational stop signal (p.Arg1787*) in the LCT gene. It is expected to result in an absent or disrupted protein product. Loss-of-function variants in LCT are known to be pathogenic (PMID: 16400612, 25881162). This variant is present in population databases (rs548104619, gnomAD 0.007%). This variant has not been reported in the literature in individuals affected with LCT-related conditions. Algorithms developed to predict the effect of sequence changes on RNA splicing suggest that this variant may disrupt the consensus splice site. For these reasons, this variant has been classified as Pathogenic.

Literature cited by the submitters: PubMed 16400612; PubMed 25881162.

NM_002299.4(LCT):c.5359C>T (p.Arg1787Ter)

Gene: LCT (lactase; minus strand). Cytogenetic location: 2q21.3.
Variant type: single nucleotide variant.
Coding change: c.5359C>T on transcript NM_002299.4 (MANE Select); coding-DNA position 5359, C replaced by T.
Protein change: p.Arg1787Ter; replaces arginine 1787 with a stop codon.
Molecular consequence: nonsense.
Genome position (GRCh38, 1-based): chr2:135,789,775, G>A on the plus strand (C>T on the coding strand, the complement: LCT is on the minus strand). VCF-style: chr2-135789775-G-A. GRCh37 (hg19) VCF-style: chr2-136547345-G-A.
Other names: short protein forms R1787*.
Identifiers: ClinVar variation 4750855 (VCV004750855.1).